The following is an entry in ClinVar:

ClinVar aggregate classification (germline): Likely benign. Review status: criteria provided, multiple submitters, no conflicts (2 of 4 stars). 2 submissions from 2 submitters: Likely benign (2). Last evaluated 2026-02-22.

Conditions:
Hajdu-Cheney syndrome (HJCYS). Also called: ACROOSTEOLYSIS WITH OSTEOPOROSIS AND CHANGES IN SKULL AND MANDIBLE; SERPENTINE FIBULA-POLYCYSTIC KIDNEY SYNDROME; Acroosteolysis dominant type. Identifiers: Orphanet 955, MedGen C0917715, MONDO:0007057, OMIM 102500.
NOTCH2-related disorder. Also called: NOTCH2-related condition.

gnomAD v4.1: 5 of 1,613,398 alleles (0.00031%); highest among the groups gnomAD compares: African/African-American, 0.0053%; no homozygotes.

Submissions (2):

PreventionGenetics, part of Exact Sciences
Classification: Likely benign for NOTCH2-related condition. Last evaluated: 2026-02-22. Review status: criteria provided, single submitter. Criteria: ACMG Guidelines, 2015. Collection method: clinical testing. Allele origin: germline.
Comment: This variant is classified as likely benign based on ACMG/AMP sequence variant interpretation guidelines (Richards et al. 2015 PMID: 25741868, with internal and published modifications).

Labcorp Genetics (formerly Invitae), Labcorp
Classification: Likely benign for Hajdu-Cheney syndrome. Last evaluated: 2024-09-24. Review status: criteria provided, single submitter. Criteria: Invitae Variant Classification Sherloc (09022015). Collection method: clinical testing. Allele origin: germline.

NM_024408.4(NOTCH2):c.874+9A>G

Gene: NOTCH2 (notch receptor 2; minus strand). Cytogenetic location: 1p12.
Variant type: single nucleotide variant.
Coding change: c.874+9A>G on transcript NM_024408.4 (MANE Select); 9 bases into the intron after coding-DNA position 874, A replaced by G.
Molecular consequence: intron variant.
Genome position (GRCh38, 1-based): chr1:119,986,951, T>C on the plus strand (A>G on the coding strand, the complement: NOTCH2 is on the minus strand). VCF-style: chr1-119986951-T-C. GRCh37 (hg19) VCF-style: chr1-120529574-T-C.
Other names: c.874+9A>G (NM_001200001.2, NM_024408.3).
Identifiers: ClinVar variation 3668931 (VCV003668931.3).